The following is an entry in ClinVar:

ClinVar aggregate classification (germline): Likely benign (1 of 4 stars; one submission).

Submission:

CeGaT Center for Human Genetics Tuebingen
Classification: Likely benign. Last evaluated: 2023-03-01. Review status: criteria provided, single submitter. Criteria: CeGaT Center For Human Genetics Tuebingen Variant Classification Criteria Version 2. Collection method: clinical testing. Allele origin: germline. Affected: yes. Observed: 1 variant allele.
Comment: TOGARAM2: BS2

NM_199280.4(TOGARAM2):c.231_240del (p.Asp78fs)

Gene: TOGARAM2 (TOG array regulator of axonemal microtubules 2; plus strand). Cytogenetic location: 2p23.2.
Variant type: Deletion.
Coding change: c.231_240del on transcript NM_199280.4 (MANE Select); coding-DNA positions 231 to 240, 10 bases deleted (GGACACCCCT; older notation c.231_240delGGACACCCCT).
Protein change: p.Asp78fs; shifts the reading frame from aspartic acid 78.
Molecular consequence: frameshift variant.
Genome position (GRCh38, 1-based): chr2:28,999,272-28,999,281, GGACACCCCT deleted; deleting any 10 consecutive bases within chr2:28,999,270-28,999,281 gives the same sequence; the c. name uses the placement nearest the transcript's 3' end. VCF-style (leftmost placement, unchanged base first): chr2-28999269-GCTGGACACCC-G. GRCh37 (hg19) VCF-style: chr2-29222135-GCTGGACACCC-G.
Other names: c.231_240del, p.Asp78fs (NM_001321538.3, NM_001321539.3); short protein forms D78fs.
Identifiers: ClinVar variation 2650784 (VCV002650784.24), dbSNP rs557040141, ClinGen allele CA1590843.